The following is an entry in ClinVar:

ClinVar aggregate classification (germline): Pathogenic/Likely pathogenic. Review status: criteria provided, multiple submitters, no conflicts (2 of 4 stars). 9 submissions from 8 submitters: Pathogenic (8); Likely pathogenic (1). Last evaluated 2025-11-19.

Conditions:
Familial cancer of breast. Also called: hereditary breast carcinoma; BREAST CANCER, FAMILIAL; Hereditary breast cancer. Identifiers: Orphanet 227535, MedGen C0346153, MONDO:0016419, OMIM 114480. Disease mechanism: loss of function.
Ataxia-telangiectasia syndrome (AT). Also called: ATAXIA-TELANGIECTASIA, COMPLEMENTATION GROUP A; ATAXIA-TELANGIECTASIA, FRESNO VARIANT; Ataxia-telangiectasia, complementation group E; Ataxia telangiectasia (A-T); LOUIS-BAR SYNDROME; Cerebello-oculocutaneous telangiectasia. Identifiers: Orphanet 100, MedGen C0004135, MONDO:0008840, OMIM 208900.
Hereditary cancer-predisposing syndrome. Also called: Neoplastic Syndromes, Hereditary; Hereditary Cancer Syndrome; Hereditary neoplastic syndrome; Tumor predisposition. Identifiers: Orphanet 140162, MedGen C0027672, MeSH D009386, MONDO:0015356.

Submissions (9):

Labcorp Genetics (formerly Invitae), Labcorp
Classification: Pathogenic for Ataxia-telangiectasia syndrome. Last evaluated: 2025-11-19. Review status: criteria provided, single submitter. Criteria: Invitae Variant Classification Sherloc (09022015). Collection method: clinical testing. Allele origin: germline.
Comment: This sequence change creates a premature translational stop signal (p.Thr1884Cysfs*17) in the ATM gene. It is expected to result in an absent or disrupted protein product. Loss-of-function variants in ATM are known to be pathogenic (PMID: 23807571, 25614872). This variant is not present in population databases (gnomAD no frequency). This premature translational stop signal has been observed in individual(s) with ataxia-telangiectasia and clinical features of hereditary breast and ovarian cancer syndrome (PMID: 8659541, 30262796). This variant is also known as 5650del8 and c.5648_5655del. ClinVar contains an entry for this variant (Variation ID: 825876). For these reasons, this variant has been classified as Pathogenic.

Ambry Genetics
Classification: Pathogenic for Hereditary cancer-predisposing syndrome. Last evaluated: 2025-11-03. Review status: criteria provided, single submitter. Criteria: Ambry Variant Classification Scheme 2023. Collection method: clinical testing. Allele origin: germline.
Comment: The c.5650_5657delACAACCCC pathogenic mutation, located in coding exon 36 of the ATM gene, results from a deletion of 8 nucleotides at nucleotide positions 5650 to 5657, causing a translational frameshift with a predicted alternate stop codon (p.T1884Cfs*17). This alteration (designated as 5650del8) was reported as a homozygous mutation in a patient with ataxia telangiectasia (Telatar M et al. Am. J. Hum. Genet. 1996 Jul;59:40-4). This variant is considered to be rare based on population cohorts in the Genome Aggregation Database (gnomAD). In addition to the clinical data presented in the literature, this alteration is expected to result in loss of function by premature protein truncation or nonsense-mediated mRNA decay. As such, this alteration is interpreted as a disease-causing mutation.

GeneDx
Classification: Pathogenic. Last evaluated: 2024-08-06. Review status: criteria provided, single submitter. Criteria: GeneDx Variant Classification Process June 2021. Collection method: clinical testing. Allele origin: germline. Affected: yes.
Comment: Frameshift variant predicted to result in protein truncation or nonsense mediated decay in a gene for which loss of function is a known mechanism of disease; Observed in the homozygous state in patients with Ataxia-telangiectasia (PMID: 8659541); Not observed at significant frequency in large population cohorts (gnomAD); Truncating variants in this gene are considered pathogenic by a well-established clinical consortium and/or database; This variant is associated with the following publications: (PMID: 9150358, 30262796, 8659541)

Myriad Genetics, Inc.
Classification: Pathogenic for Familial cancer of breast. Last evaluated: 2024-01-25. Review status: criteria provided, single submitter. Criteria: Myriad Autosomal Dominant, Autosomal Recessive and X-Linked Classification Criteria (2023). Collection method: clinical testing. Allele origin: unknown.
Comment: This variant is considered pathogenic. This variant creates a frameshift predicted to result in premature protein truncation.

Baylor Genetics
Classification: Pathogenic for Familial cancer of breast. Last evaluated: 2023-09-21. Review status: criteria provided, single submitter. Criteria: ACMG Guidelines, 2015. Collection method: clinical testing. Allele origin: unknown.

Illumina Laboratory Services, Illumina
Classification: Pathogenic for Ataxia-telangiectasia syndrome. Last evaluated: 2023-03-14. Review status: criteria provided, single submitter. Criteria: ICSLVariantClassificationCriteria RUGD 01 April 2020. Collection method: clinical testing. Allele origin: unknown.
Comment: The ATM c.5650_5657del (p.Thr1884CysfsTer17) variant results in the deletion of eight nucleotides at position c.5650, causing a shift in the protein reading frame that is predicted to result in premature termination of the protein. Loss of normal protein function through either protein truncation or nonsense-mediated mRNA decay is expected. This variant has been reported in a homozygous state in an individual with ataxia-telangiectasia (PMID: 8659541). This variant is not found in version 2.1.1 or version 3.1.2 of the Genome Aggregation Database in a region of good sequencing coverage. The c.5650_5657del variant was identified in trans with a second ATM variant. Based on the available evidence, the c.5650_5657del (p.Thr1884CysfsTer17) variant is classified as pathogenic for ataxia-telangiectasia.

3billion
Classification: Pathogenic for Ataxia-telangiectasia syndrome. Last evaluated: 2022-05-22. Review status: criteria provided, single submitter. Criteria: ACMG Guidelines, 2015. Collection method: clinical testing. Allele origin: germline. Affected: yes. Observed: 1 heterozygote.
Comment: Frameshift: predicted to result in a loss or disruption of normal protein function through nonsense-mediated decay (NMD) or protein truncation. Multiple pathogenic variants are reported downstream of the variant. It is not observed in the gnomAD v2.1.1 dataset. The variant has been reported at least twice as pathogenic without evidence for the classification (ClinVar ID: VCV000825876 / PMID: 8659541). Therefore, this variant is classified as pathogenic according to the recommendation of ACMG/AMP guideline.

Fulgent Genetics
Classification: Pathogenic for Familial cancer of breast; Ataxia-telangiectasia syndrome. Last evaluated: 2021-12-17. Review status: criteria provided, single submitter. Criteria: ACMG Guidelines, 2015. Collection method: clinical testing. Allele origin: unknown.

Illumina Laboratory Services, Illumina
Classification: Likely pathogenic for Hereditary cancer-predisposing syndrome. Last evaluated: 2020-02-21. Review status: criteria provided, single submitter. Criteria: ICSLVariantClassificationCriteria RUGD 01 April 2020. Collection method: clinical testing. Allele origin: unknown.
Comment: The ATM c.5650_5657delACAACCCC p.(Thr1884CysfsTer17) variant causes a shift in the protein reading frame that is predicted to result in premature termination of the protein. Loss of normal protein function through either protein truncation or nonsense-mediated mRNA decay is expected. To our knowledge, this variant has not been reported in the peer-reviewed literature. This variant is not observed in version 2.1.1 of the Genome Aggregation Database. Based on the available evidence, the c.5650_5657delACAACCCC p.(Thr1884CysfsTer17) variant is classified as likely pathogenic for ATM-related cancer susceptibility.

Literature cited by the submitters: PubMed 23807571 (cited by Labcorp Genetics (formerly Invitae), Labcorp); PubMed 25614872 (cited by Labcorp Genetics (formerly Invitae), Labcorp); PubMed 8659541 (cited by 4 submitters); PubMed 30262796 (cited by Labcorp Genetics (formerly Invitae), Labcorp); PubMed 9150358 (cited by Ambry Genetics).

NM_000051.4(ATM):c.5650_5657del (p.Thr1884fs)

Gene: ATM (ATM serine/threonine kinase; plus strand). Cytogenetic location: 11q22.3.
Variant type: Deletion.
Coding change: c.5650_5657del on transcript NM_000051.4 (MANE Select); coding-DNA positions 5650 to 5657, 8 bases deleted (ACAACCCC; older notation c.5650_5657delACAACCCC).
Protein change: p.Thr1884fs; shifts the reading frame from threonine 1884.
Molecular consequence: frameshift variant.
Genome position (GRCh38, 1-based): chr11:108,304,828-108,304,835, ACAACCCC deleted; deleting any 8 consecutive bases within chr11:108,304,826-108,304,835 gives the same sequence; the c. name uses the placement nearest the transcript's 3' end. VCF-style (leftmost placement, unchanged base first): chr11-108304825-TCCACAACC-T. GRCh37 (hg19) VCF-style: chr11-108175552-TCCACAACC-T.
Other names: c.5650_5657del, p.Thr1884fs (NM_001351834.2); c.5650_5657del (NM_000051.3); short protein forms T1884fs.
Identifiers: ClinVar variation 825876 (VCV000825876.20), dbSNP rs1591718522, ClinGen allele CA915947633.